The following is an entry in ClinVar:

ClinVar aggregate classification (germline): not provided (0 of 4 stars; one submission).

Conditions:
Gestational diabetes mellitus uncontrolled. Identifiers: MedGen C3532257.

Submission:

Institute of Molecular and Cell Biology, University of Tartu
No classification provided. Condition: Gestational diabetes mellitus uncontrolled. Review status: no classification provided. Collection method: case-control. Allele origin: unknown. Affected: yes. Study: Kasak2014.
Comment: The study aimed to determine the contribution of copy number variants in the genetic etiology of normal and complicated pregnancies. The samples represented (i) maternal blood DNA drawn from healthy pregnant women during 1st or 2nd trimester and (ii) maternal and paternal blood DNA drawn at term pregnancy cases representing normal and complicated gestations (severe preeclampsia, PE; gestational diabetes, GD; small-for-gestational age newborn, SGA; large-for-gestational age newborn, LGA). We performed CNV calling based on genome-wide genotyping dataset (Illumina HumanOmniExpress-24-v1 BeadChip) by applying three algorithms, QuantiSNP, GADA (Genome Alteration Detection Algorithm) and CNstream in parallel. The acquired CNV calls were merged with HD-CNV (Hotspot Detector for Copy Number Variants) program and only the CNVs predicted by at least two programs, were considered in subsequent analysis.

Literature cited by the submitters: PubMed 25666259.

NM_001510.3(GRID2):c.245-219371_245-58043del

Gene: GRID2 (glutamate ionotropic receptor delta type subunit 2; plus strand). Cytogenetic location: 4q22.2.
Variant type: Deletion.
Coding change: c.245-219371_245-58043del on transcript NM_001510.3; 219371 bases into the intron before coding-DNA position 245 through 58043 bases into the intron before coding-DNA position 245, this stretch deleted.
Identifiers: ClinVar variation 156925 (VCV000156925.2).